The following is an entry in ClinVar:

NM_144991.3(TSPEAR):c.608G>A (p.Arg203Gln)

Gene: TSPEAR (thrombospondin type laminin G domain and EAR repeats; minus strand). Cytogenetic location: 21q22.3.
Variant type: single nucleotide variant.
Coding change: c.608G>A on transcript NM_144991.3 (MANE Select); coding-DNA position 608, G replaced by A.
Protein change: p.Arg203Gln; replaces arginine 203 with glutamine.
Molecular consequence: missense variant.
Genome position (GRCh38, 1-based): chr21:44,531,068, C>T on the plus strand (G>A on the coding strand, the complement: TSPEAR is on the minus strand). VCF-style: chr21-44531068-C-T. GRCh37 (hg19) VCF-style: chr21-45950951-C-T.
Other names: c.404G>A, p.Arg135Gln (NM_001272037.2); short protein forms R203Q, R135Q.
Identifiers: ClinVar variation 229380 (VCV000229380.10), dbSNP rs781964053, ClinGen allele CA10056933.

ClinVar aggregate classification (germline): Uncertain significance. Review status: criteria provided, multiple submitters, no conflicts (2 of 4 stars). 4 submissions from 4 submitters: Uncertain significance (4). Last evaluated 2025-11-26.

Conditions:
TSPEAR-related disorder. Also called: TSPEAR-related condition.
Inborn genetic diseases. Identifiers: MedGen C0950123, MeSH D030342.

Allele frequency attached by ClinVar (database versions not stated): gnomAD exomes 0.00001 and 0.00002; gnomAD 0.00002; ExAC 0.00003; TOPMed 0.00003.
gnomAD v4.1: 30 of 1,613,536 alleles (0.0019%); highest among the groups gnomAD compares: Admixed American, 0.0033%; no homozygotes.

Submissions (4):

PreventionGenetics, part of Exact Sciences
Classification: Uncertain significance for TSPEAR-related condition. Last evaluated: 2025-11-26. Review status: criteria provided, single submitter. Criteria: ACMG Guidelines, 2015. Collection method: clinical testing. Allele origin: germline.
Comment: The TSPEAR c.608G>A variant is predicted to result in the amino acid substitution p.Arg203Gln. To our knowledge, this variant has not been reported in the literature. This variant is reported in 0.0056% of alleles in individuals of Latino descent in gnomAD. At this time, the clinical significance of this variant is uncertain due to the absence of conclusive functional and genetic evidence.

Ambry Genetics
Classification: Uncertain significance for Inborn genetic diseases. Last evaluated: 2023-02-09. Review status: criteria provided, single submitter. Criteria: Ambry Variant Classification Scheme 2023. Collection method: clinical testing. Allele origin: germline.

GeneDx
Classification: Uncertain significance. Last evaluated: 2022-03-07. Review status: criteria provided, single submitter. Criteria: GeneDx Variant Classification Process June 2021. Collection method: clinical testing. Allele origin: germline. Affected: yes.
Comment: Not observed at significant frequency in large population cohorts (gnomAD); In silico analysis supports that this missense variant does not alter protein structure/function; Has not been previously published as pathogenic or benign to our knowledge

Laboratory for Molecular Medicine, Mass General Brigham Personalized Medicine
Classification: Uncertain significance. Last evaluated: 2016-03-29. Review status: criteria provided, single submitter. Criteria: LMM Criteria. Collection method: clinical testing. Allele origin: germline. Observed: 1 variant allele.
Comment: The p.Arg203Gln variant in TSPEAR has not been previously reported in individual s with hearing loss. This variant has been identified in 2/65340 European chromo somes and 1/11418 of Latino chromosomes by the Exome Aggregation Consortium (ExA C; dbSNP rs781964053). Although this variant has been seen in the general population, its frequency is not high enough to rule o ut a pathogenic role. Computational prediction tools and conservation analyses s uggest that the p.Arg203Gln variant may impact the protein, though this informat ion is not predictive enough to determine pathogenicity. In summary, the clinica l significance of the p.Arg203Gln variant is uncertain.